The following is an entry in ClinVar:

ClinVar aggregate classification (germline): Uncertain significance. Review status: criteria provided, multiple submitters, no conflicts (2 of 4 stars). 4 submissions from 4 submitters: Uncertain significance (4). Last evaluated 2025-11-17.

Conditions:
Hereditary cancer-predisposing syndrome. Also called: Hereditary Cancer Syndrome; Neoplastic Syndromes, Hereditary; Hereditary neoplastic syndrome; Tumor predisposition. Identifiers: Orphanet 140162, MedGen C0027672, MeSH D009386, MONDO:0015356.
Familial cancer of breast. Also called: BREAST CANCER, FAMILIAL; Hereditary breast cancer; hereditary breast carcinoma. Identifiers: Orphanet 227535, MedGen C0346153, MONDO:0016419, OMIM 114480. Disease mechanism: loss of function.

Allele frequency attached by ClinVar (database versions not stated): gnomAD exomes below 0.00001 and 0.00001; TOPMed below 0.00001.
gnomAD v4.1: 4 of 1,614,162 alleles (0.00025%); highest among the groups gnomAD compares: Non-Finnish European, 0.00034%; no homozygotes.

Submissions (4):

Ambry Genetics
Classification: Uncertain significance for Hereditary cancer-predisposing syndrome. Last evaluated: 2025-11-17. Review status: criteria provided, single submitter. Criteria: Ambry Variant Classification Scheme 2023. Collection method: clinical testing. Allele origin: germline.
Comment: The p.K320E variant (also known as c.958A>G), located in coding exon 8 of the CHEK2 gene, results from an A to G substitution at nucleotide position 958. The lysine at codon 320 is replaced by glutamic acid, an amino acid with similar properties. This alteration was reported as functional in a study assessing CHEK2-complementation through quantification of KAP1 phosphorylation and CHK2 autophosphorylation in human RPE1-CHEK2-knockout cells (Stolarova L et al. Clin Cancer Res, 2023 Aug;29:3037-3050). This amino acid position is not well conserved in available vertebrate species. In addition, this alteration is predicted to be tolerated by in silico analysis. Since supporting evidence is limited at this time, the clinical significance of this alteration remains unclear.

Labcorp Genetics (formerly Invitae), Labcorp
Classification: Uncertain significance for Familial cancer of breast. Last evaluated: 2025-05-11. Review status: criteria provided, single submitter. Criteria: Invitae Variant Classification Sherloc (09022015). Collection method: clinical testing. Allele origin: germline.
Comment: This sequence change replaces lysine, which is basic and polar, with glutamic acid, which is acidic and polar, at codon 320 of the CHEK2 protein (p.Lys320Glu). This variant is present in population databases (rs587782480, gnomAD 0.0009%). This variant has not been reported in the literature in individuals affected with CHEK2-related conditions. ClinVar contains an entry for this variant (Variation ID: 142463). An algorithm developed to predict the effect of missense changes on protein structure and function (PolyPhen-2) suggests that this variant is likely to be tolerated. In summary, the available evidence is currently insufficient to determine the role of this variant in disease. Therefore, it has been classified as a Variant of Uncertain Significance.

GeneDx
Classification: Uncertain significance. Last evaluated: 2023-09-18. Review status: criteria provided, single submitter. Criteria: GeneDx Variant Classification Process June 2021. Collection method: clinical testing. Allele origin: germline. Affected: yes.
Comment: Not observed at significant frequency in large population cohorts (gnomAD); In silico analysis supports that this missense variant does not alter protein structure/function; Has not been previously published as pathogenic or benign to our knowledge; This variant is associated with the following publications: (PMID: 19782031, 22419737)

Color Diagnostics, LLC DBA Color Health
Classification: Uncertain significance for Hereditary cancer-predisposing syndrome. Last evaluated: 2021-10-21. Review status: criteria provided, single submitter. Criteria: ACMG Guidelines, 2015. Collection method: clinical testing. Allele origin: germline.
Comment: This missense variant replaces lysine with glutamic acid at codon 320 of the CHEK2 protein. Computational prediction suggests that this variant may not impact protein structure and function (internally defined REVEL score threshold <= 0.5, PMID: 27666373). To our knowledge, functional studies have not been reported for this variant. This variant has not been reported in individuals affected with hereditary cancer in the literature. This variant has been identified in 1/251492 chromosomes in the general population by the Genome Aggregation Database (gnomAD). The available evidence is insufficient to determine the role of this variant in disease conclusively. Therefore, this variant is classified as a Variant of Uncertain Significance.

Literature cited by the submitters: PubMed 37449874 (cited by Ambry Genetics).

NM_007194.4(CHEK2):c.958A>G (p.Lys320Glu)

Gene: CHEK2 (checkpoint kinase 2; minus strand). Cytogenetic location: 22q12.1.
Variant type: single nucleotide variant.
Coding change: c.958A>G on transcript NM_007194.4 (MANE Select); coding-DNA position 958, A replaced by G.
Protein change: p.Lys320Glu; replaces lysine 320 with glutamic acid.
Molecular consequence: missense variant.
Genome position (GRCh38, 1-based): chr22:28,699,888, T>C on the plus strand (A>G on the coding strand, the complement: CHEK2 is on the minus strand). VCF-style: chr22-28699888-T-C. GRCh37 (hg19) VCF-style: chr22-29095876-T-C.
Other names: c.1087A>G, p.Lys363Glu (NM_001005735.3); c.295A>G, p.Lys99Glu (NM_001257387.3); c.757A>G, p.Lys253Glu (NM_001349956.3); c.958A>G, p.Lys320Glu (NM_145862.3); short protein forms K320E, K363E, K253E, K99E.
Identifiers: ClinVar variation 142463 (VCV000142463.20), dbSNP rs587782480, ClinGen allele CA168423.